The following is an entry in ClinVar:

ClinVar aggregate classification (germline): Likely pathogenic (1 of 4 stars; one submission).

Allele frequency attached by ClinVar (database versions not stated): ExAC 0.00001; gnomAD exomes below 0.00001.

Submission:

GeneDx
Classification: Likely pathogenic. Last evaluated: 2017-09-07. Review status: criteria provided, single submitter. Criteria: GeneDx Variant Classification (06012015). Collection method: clinical testing. Allele origin: germline. Affected: yes.
Comment: A variant that is likely pathogenic has been identified in the RYR1 gene. The c.2706delG variant has not been published as a pathogenic variant, nor has it been reported as a benign variant to our knowledge. The c.2706delG variant is not observed in large population cohorts (Lek et al., 2016; 1000 Genomes Consortium et al., 2015; Exome Variant Server). The c.2706delG variant causes a frameshift starting with codon Histidine 903, changes this amino acid to a Threonine residue and creates a premature Stop codon at position 47 of the new reading frame, denoted p.His903ThrfsX47. This variant is predicted to cause loss of normal protein function either through protein truncation or nonsense-mediated mRNA decay. Therefore, this variant is likely pathogenic; however, the possibility that it is benign cannot be excluded.

NM_000540.3(RYR1):c.2706del (p.His903fs)

Gene: RYR1 (ryanodine receptor 1; plus strand). Cytogenetic location: 19q13.2.
Variant type: Deletion.
Coding change: c.2706del on transcript NM_000540.3 (MANE Select); coding-DNA position 2706, one base deleted (G; older notation c.2706delG).
Protein change: p.His903fs; shifts the reading frame from histidine 903.
Molecular consequence: frameshift variant.
Genome position (GRCh38, 1-based): chr19:38,463,770, G deleted. VCF-style (leftmost placement, unchanged base first): chr19-38463769-TG-T. GRCh37 (hg19) VCF-style: chr19-38954409-TG-T.
Other names: c.2706delG (NM_000540.2); c.2706del, p.His903fs (NM_001042723.2); short protein forms H903fs.
Identifiers: ClinVar variation 451850 (VCV000451850.2), dbSNP rs747409654, ClinGen allele CA063863.